The following is an entry in ClinVar:

ClinVar aggregate classification (germline): Uncertain significance (1 of 4 stars; one submission).

Conditions:
Epidermodysplasia verruciformis. Identifiers: Orphanet 302, MedGen C0014522, MONDO:0009176.

Allele frequency attached by ClinVar (database versions not stated): gnomAD 0.00001; TOPMed 0.00001.
gnomAD v4.1: 6 of 1,607,932 alleles (0.00037%); highest among the groups gnomAD compares: Admixed American, 0.0084%; no homozygotes.

Submission:

Labcorp Genetics (formerly Invitae), Labcorp
Classification: Uncertain significance for Epidermodysplasia verruciformis. Last evaluated: 2022-06-15. Review status: criteria provided, single submitter. Criteria: Invitae Variant Classification Sherloc (09022015). Collection method: clinical testing. Allele origin: germline.
Comment: This sequence change replaces glycine, which is neutral and non-polar, with aspartic acid, which is acidic and polar, at codon 663 of the TMC6 protein (p.Gly663Asp). In summary, the available evidence is currently insufficient to determine the role of this variant in disease. Therefore, it has been classified as a Variant of Uncertain Significance. This variant has not been reported in the literature in individuals affected with TMC6-related conditions. Algorithms developed to predict the effect of missense changes on protein structure and function are either unavailable or do not agree on the potential impact of this missense change (SIFT: "Not Available"; PolyPhen-2: "Probably Damaging"; Align-GVGD: "Not Available"). This variant is present in population databases (rs751509409, gnomAD 0.006%).

NM_001127198.5(TMC6):c.1988G>A (p.Gly663Asp)

Gene: TMC6 (transmembrane channel like 6; minus strand). Cytogenetic location: 17q25.3.
Variant type: single nucleotide variant.
Coding change: c.1988G>A on transcript NM_001127198.5 (MANE Select); coding-DNA position 1988, G replaced by A.
Protein change: p.Gly663Asp; replaces glycine 663 with aspartic acid.
Molecular consequence: missense variant. On other transcripts: non-coding transcript variant (4).
Genome position (GRCh38, 1-based): chr17:78,117,835, C>T on the plus strand (G>A on the coding strand, the complement: TMC6 is on the minus strand). VCF-style: chr17-78117835-C-T. GRCh37 (hg19) VCF-style: chr17-76113916-C-T.
Other names: c.1988G>A, p.Gly663Asp (NM_001321185.1, NM_001374596.1, NM_001375353.1 and 2 more transcripts); c.1808G>A, p.Gly603Asp (NM_001374593.1, NM_001374594.1); short protein forms G663D, G603D.
Identifiers: ClinVar variation 2139295 (VCV002139295.4), dbSNP rs751509409, ClinGen allele CA8795480.